The following is an entry in ClinVar:

NM_002024.6(FMR1):c.855A>C (p.Val285=)

Gene: FMR1 (fragile X messenger ribonucleoprotein 1; plus strand). Cytogenetic location: Xq27.3.
Variant type: single nucleotide variant.
Coding change: c.855A>C on transcript NM_002024.6 (MANE Select); coding-DNA position 855, A replaced by C.
Protein change: p.Val285=; no amino-acid change (valine 285 retained).
Molecular consequence: synonymous variant. On other transcripts: non-coding transcript variant (2).
Genome position (GRCh38, 1-based): chrX:147,932,738, A>C. VCF-style: chrX-147932738-A-C. GRCh37 (hg19) VCF-style: chrX-147014257-A-C.
Other names: p.Val285=; c.855A>C, p.Val285= (NM_001185075.2, NM_001185076.2, NM_001185081.2 and 1 more transcripts).
Identifiers: ClinVar variation 4684535 (VCV004684535.1).
Genomic context (GRCh38, chrX:147,932,738, plus strand): 5'-TTATTAGGATCAGGATGCAGTGAAAAAAGCTAGAAGCTTTCTCGAATTTGCTGAAGATGT[A>C]ATACAAGTTCCAAGGAACTTAGTAGGTAAGTCAGAAGTATCTGTTGACATATAGTACAAC-3'
Protein context (NP_002015.1, residues 275-295): ARSFLEFAED[Val285=]IQVPRNLVGK

ClinVar aggregate classification (germline): Likely benign (1 of 4 stars; one submission).

gnomAD v4.1: 5 of 1,203,670 alleles (0.00042%); highest among the groups gnomAD compares: Non-Finnish European, 0.00056%; no homozygotes.

Submission:

Mayo Clinic Laboratories, Mayo Clinic
Classification: Likely benign. Last evaluated: 2025-06-23. Review status: criteria provided, single submitter. Criteria: ACMG Guidelines, 2015. Collection method: clinical testing. Allele origin: germline. Observed: 1 variant allele.
Comment: BP4, BP7